The following is an entry in ClinVar:

ClinVar aggregate classification (germline): Uncertain significance (1 of 4 stars; one submission).

Conditions:
Transcobalamin II deficiency (TCN2D). Also called: Transcolabamin II deficiency; TC II DEFICIENCY; TCN2 DEFICIENCY. Identifiers: Orphanet 859, MedGen C0342701, MONDO:0010149, OMIM 275350.

Allele frequency attached by ClinVar (database versions not stated): TOPMed below 0.00001.

Submission:

Labcorp Genetics (formerly Invitae), Labcorp
Classification: Uncertain significance for Transcobalamin II deficiency. Last evaluated: 2022-04-29. Review status: criteria provided, single submitter. Criteria: Invitae Variant Classification Sherloc (09022015). Collection method: clinical testing. Allele origin: germline.
Comment: This sequence change replaces alanine, which is neutral and non-polar, with valine, which is neutral and non-polar, at codon 351 of the TCN2 protein (p.Ala351Val). This variant is not present in population databases (gnomAD no frequency). This variant has not been reported in the literature in individuals affected with TCN2-related conditions. ClinVar contains an entry for this variant (Variation ID: 642073). Algorithms developed to predict the effect of missense changes on protein structure and function output the following: SIFT: "Tolerated"; PolyPhen-2: "Benign"; Align-GVGD: "Class C0". The valine amino acid residue is found in multiple mammalian species, which suggests that this missense change does not adversely affect protein function. In summary, the available evidence is currently insufficient to determine the role of this variant in disease. Therefore, it has been classified as a Variant of Uncertain Significance.

NM_000355.4(TCN2):c.1052C>T (p.Ala351Val)

Gene: TCN2 (transcobalamin 2; plus strand). Cytogenetic location: 22q12.2.
Variant type: single nucleotide variant.
Coding change: c.1052C>T on transcript NM_000355.4 (MANE Select); coding-DNA position 1052, C replaced by T.
Protein change: p.Ala351Val; replaces alanine 351 with valine.
Molecular consequence: missense variant.
Genome position (GRCh38, 1-based): chr22:30,617,441, C>T. VCF-style: chr22-30617441-C-T. GRCh37 (hg19) VCF-style: chr22-31013428-C-T.
Other names: c.971C>T, p.Ala324Val (NM_001184726.2); short protein forms A351V, A324V.
Identifiers: ClinVar variation 642073 (VCV000642073.6), dbSNP rs951348375, ClinGen allele CA323235194.